The following is an entry in ClinVar:

ClinVar aggregate classification (germline): Uncertain significance (1 of 4 stars; one submission).

Allele frequency attached by ClinVar (database versions not stated): TOPMed below 0.00001.

Submission:

Labcorp Genetics (formerly Invitae), Labcorp
Classification: Uncertain significance. Last evaluated: 2022-04-12. Review status: criteria provided, single submitter. Criteria: Invitae Variant Classification Sherloc (09022015). Collection method: clinical testing. Allele origin: germline.
Comment: In summary, the available evidence is currently insufficient to determine the role of this variant in disease. Therefore, it has been classified as a Variant of Uncertain Significance. Algorithms developed to predict the effect of missense changes on protein structure and function (SIFT, PolyPhen-2, Align-GVGD) all suggest that this variant is likely to be disruptive. This variant has not been reported in the literature in individuals affected with PEX3-related conditions. This variant is not present in population databases (gnomAD no frequency). This sequence change replaces methionine, which is neutral and non-polar, with threonine, which is neutral and polar, at codon 124 of the PEX3 protein (p.Met124Thr).

NM_003630.3(PEX3):c.371T>C (p.Met124Thr)

Gene: PEX3 (peroxisomal biogenesis factor 3; plus strand). Cytogenetic location: 6q24.2.
Variant type: single nucleotide variant.
Coding change: c.371T>C on transcript NM_003630.3 (MANE Select); coding-DNA position 371, T replaced by C.
Protein change: p.Met124Thr; replaces methionine 124 with threonine.
Molecular consequence: missense variant.
Genome position (GRCh38, 1-based): chr6:143,471,000, T>C. VCF-style: chr6-143471000-T-C. GRCh37 (hg19) VCF-style: chr6-143792137-T-C.
Other names: short protein forms M124T.
Identifiers: ClinVar variation 2125150 (VCV002125150.4), dbSNP rs1780065740, ClinGen allele CA365909712.